The following is an entry in ClinVar:

NM_015378.4(VPS13D):c.11374A>G (p.Thr3792Ala)

Gene: VPS13D (vacuolar protein sorting 13 homolog D; plus strand). Cytogenetic location: 1p36.22.
Variant type: single nucleotide variant.
Coding change: c.11374A>G on transcript NM_015378.4 (MANE Select); coding-DNA position 11374, A replaced by G.
Protein change: p.Thr3792Ala; replaces threonine 3792 with alanine.
Molecular consequence: missense variant.
Genome position (GRCh38, 1-based): chr1:12,385,263, A>G. VCF-style: chr1-12385263-A-G. GRCh37 (hg19) VCF-style: chr1-12445322-A-G.
Other names: c.11299A>G, p.Thr3767Ala (NM_018156.4); short protein forms T3767A, T3792A.
Identifiers: ClinVar variation 1307198 (VCV001307198.2), dbSNP rs758368732, ClinGen allele CA603940.

ClinVar aggregate classification (germline): Uncertain significance (1 of 4 stars; one submission).

Allele frequency attached by ClinVar (database versions not stated): TOPMed below 0.00001; ExAC 0.00001; gnomAD exomes 0.00001 and 0.00003.
gnomAD v4.1: 44 of 1,613,288 alleles (0.0027%); highest among the groups gnomAD compares: Non-Finnish European, 0.0036%; no homozygotes.

Submission:

GeneDx
Classification: Uncertain significance. Last evaluated: 2019-07-24. Review status: criteria provided, single submitter. Criteria: GeneDx Variant Classification Process June 2021. Collection method: clinical testing. Allele origin: germline. Affected: yes.
Comment: Has not been previously published as pathogenic or benign to our knowledge; Not observed at a significant frequency in large population cohorts (Lek et al., 2016); In silico analysis, which includes protein predictors and evolutionary conservation, supports that this variant does not alter protein structure/function